The following is an entry in ClinVar:

ClinVar aggregate classification (germline): Uncertain significance (1 of 4 stars; one submission).

Allele frequency attached by ClinVar (database versions not stated): ExAC 0.00001; gnomAD exomes 0.00001.
gnomAD v4.1: 23 of 1,613,740 alleles (0.0014%); highest among the groups gnomAD compares: Non-Finnish European, 0.0017%; no homozygotes.

Submission:

Labcorp Genetics (formerly Invitae), Labcorp
Classification: Uncertain significance. Last evaluated: 2022-04-19. Review status: criteria provided, single submitter. Criteria: Invitae Variant Classification Sherloc (09022015). Collection method: clinical testing. Allele origin: germline.
Comment: This sequence change replaces glycine, which is neutral and non-polar, with valine, which is neutral and non-polar, at codon 721 of the LIG1 protein (p.Gly721Val). This variant is present in population databases (rs778352522, gnomAD 0.0009%). This variant has not been reported in the literature in individuals affected with LIG1-related conditions. Algorithms developed to predict the effect of missense changes on protein structure and function (SIFT, PolyPhen-2, Align-GVGD) all suggest that this variant is likely to be disruptive. In summary, the available evidence is currently insufficient to determine the role of this variant in disease. Therefore, it has been classified as a Variant of Uncertain Significance.

NM_000234.3(LIG1):c.2162G>T (p.Gly721Val)

Gene: LIG1 (DNA ligase 1; minus strand). Cytogenetic location: 19q13.33.
Variant type: single nucleotide variant.
Coding change: c.2162G>T on transcript NM_000234.3 (MANE Select); coding-DNA position 2162, G replaced by T.
Protein change: p.Gly721Val; replaces glycine 721 with valine.
Molecular consequence: missense variant. On other transcripts: non-coding transcript variant (6).
Genome position (GRCh38, 1-based): chr19:48,123,004, C>A on the plus strand (G>T on the coding strand, the complement: LIG1 is on the minus strand). VCF-style: chr19-48123004-C-A. GRCh37 (hg19) VCF-style: chr19-48626261-C-A.
Other names: c.2069G>T, p.Gly690Val (NM_001289063.2); c.1958G>T, p.Gly653Val (NM_001289064.2); c.2159G>T, p.Gly720Val (NM_001320970.2); c.2072G>T, p.Gly691Val (NM_001320971.2); short protein forms G690V, G721V, G691V, G653V, G720V.
Identifiers: ClinVar variation 1930404 (VCV001930404.2), dbSNP rs778352522, ClinGen allele CA9546513.